The following is an entry in ClinVar:

ClinVar aggregate classification (germline): Likely benign. Review status: criteria provided, multiple submitters, no conflicts (2 of 4 stars). 3 submissions from 3 submitters: Likely benign (3). Last evaluated 2025-11-17.

Conditions:
Fanconi anemia (FA). Also called: Fanconi's anemia. Identifiers: Orphanet 84, MedGen C0015625, MeSH D005199, MONDO:0019391.

Allele frequency attached by ClinVar (database versions not stated): gnomAD exomes 0.00002 and 0.00004; TOPMed 0.00004; gnomAD 0.00007.
gnomAD v4.1: 64 of 1,610,292 alleles (0.004%); highest among the groups gnomAD compares: Non-Finnish European, 0.0051%; no homozygotes.

Submissions (3):

Labcorp Genetics (formerly Invitae), Labcorp
Classification: Likely benign for Fanconi anemia. Last evaluated: 2025-11-17. Review status: criteria provided, single submitter. Criteria: Invitae Variant Classification Sherloc (09022015). Collection method: clinical testing. Allele origin: germline.

Blueprint Genetics
Classification: Likely benign. Last evaluated: 2024-02-16. Review status: criteria provided, single submitter. Criteria: ACMG Guidelines, 2015. Collection method: clinical testing. Allele origin: germline.

CeGaT Center for Human Genetics Tuebingen
Classification: Likely benign. Last evaluated: 2023-11-01. Review status: criteria provided, single submitter. Criteria: CeGaT Center For Human Genetics Tuebingen Variant Classification Criteria Version 2. Collection method: clinical testing. Allele origin: germline. Affected: yes. Observed: 2 variant alleles.
Comment: SLX4: BP4, BP7

NM_032444.4(SLX4):c.4149C>T (p.Phe1383=)

Gene: SLX4 (SLX4 structure-specific endonuclease subunit; minus strand). Cytogenetic location: 16p13.3.
Variant type: single nucleotide variant.
Coding change: c.4149C>T on transcript NM_032444.4 (MANE Select); coding-DNA position 4149, C replaced by T.
Protein change: p.Phe1383=; no amino-acid change (phenylalanine 1383 retained).
Molecular consequence: synonymous variant.
Genome position (GRCh38, 1-based): chr16:3,589,489, G>A on the plus strand (C>T on the coding strand, the complement: SLX4 is on the minus strand). VCF-style: chr16-3589489-G-A. GRCh37 (hg19) VCF-style: chr16-3639490-G-A.
Identifiers: ClinVar variation 695219 (VCV000695219.44), dbSNP rs983816841, ClinGen allele CA276958482.